The following is an entry in ClinVar:

NM_032578.4(MYPN):c.1281T>G (p.Asp427Glu)

Gene: MYPN (myopalladin; plus strand). Cytogenetic location: 10q21.3.
Variant type: single nucleotide variant.
Coding change: c.1281T>G on transcript NM_032578.4 (MANE Select); coding-DNA position 1281, T replaced by G.
Protein change: p.Asp427Glu; replaces aspartic acid 427 with glutamic acid.
Molecular consequence: missense variant. On other transcripts: non-coding transcript variant (2).
Genome position (GRCh38, 1-based): chr10:68,150,075, T>G. VCF-style: chr10-68150075-T-G. GRCh37 (hg19) VCF-style: chr10-69909832-T-G.
Other names: c.1281T>G, p.Asp427Glu (NM_001256267.2); c.399T>G, p.Asp133Glu (NM_001256268.2); short protein forms D133E, D427E.
Identifiers: ClinVar variation 4860699 (VCV004860699.1).

ClinVar aggregate classification (germline): Uncertain significance (1 of 4 stars; one submission).

Conditions:
Cardiovascular phenotype. Identifiers: MedGen CN230736.

gnomAD v4.1: 4 of 1,614,000 alleles (0.00025%); highest among the groups gnomAD compares: East Asian, 0.0089%; no homozygotes.

Submission:

Ambry Genetics
Classification: Uncertain significance for Cardiovascular phenotype. Last evaluated: 2026-04-09. Review status: criteria provided, single submitter. Criteria: Ambry Variant Classification Scheme 2023. Collection method: clinical testing. Allele origin: germline.
Comment: The p.D427E variant (also known as c.1281T>G), located in coding exon 5 of the MYPN gene, results from a T to G substitution at nucleotide position 1281. The aspartic acid at codon 427 is replaced by glutamic acid, an amino acid with highly similar properties. This amino acid position is conserved. In addition, this alteration is predicted to be tolerated by in silico analysis. Based on the available evidence, the clinical significance of this variant remains unclear.